The following is an entry in ClinVar:

ClinVar aggregate classification (germline): Uncertain significance. Review status: criteria provided, multiple submitters, no conflicts (2 of 4 stars). 2 submissions from 2 submitters: Uncertain significance (2). Last evaluated 2024-08-21.

Conditions:
Hereditary cancer-predisposing syndrome. Also called: Tumor predisposition; Hereditary Cancer Syndrome; Neoplastic Syndromes, Hereditary; Hereditary neoplastic syndrome. Identifiers: Orphanet 140162, MedGen C0027672, MeSH D009386, MONDO:0015356.

Submissions (2):

Ambry Genetics
Classification: Uncertain significance for Hereditary cancer-predisposing syndrome. Last evaluated: 2024-08-21. Review status: criteria provided, single submitter. Criteria: Ambry Variant Classification Scheme 2023. Collection method: clinical testing. Allele origin: germline.
Comment: The p.R3P variant (also known as c.8G>C), located in coding exon 1 of the FH gene, results from a G to C substitution at nucleotide position 8. The arginine at codon 3 is replaced by proline, an amino acid with dissimilar properties. This amino acid position is well conserved in available vertebrate species. In addition, this alteration is predicted to be deleterious by in silico analysis. Based on the available evidence, the clinical significance of this variant remains unclear.

Labcorp Genetics (formerly Invitae), Labcorp
Classification: Uncertain significance. Last evaluated: 2022-04-07. Review status: criteria provided, single submitter. Criteria: Invitae Variant Classification Sherloc (09022015). Collection method: clinical testing. Allele origin: germline.
Comment: This sequence change replaces arginine, which is basic and polar, with proline, which is neutral and non-polar, at codon 3 of the FH protein (p.Arg3Pro). This variant is not present in population databases (gnomAD no frequency). This variant has not been reported in the literature in individuals affected with FH-related conditions. ClinVar contains an entry for this variant (Variation ID: 822885). Advanced modeling of protein sequence and biophysical properties (such as structural, functional, and spatial information, amino acid conservation, physicochemical variation, residue mobility, and thermodynamic stability) performed at Invitae indicates that this missense variant is not expected to disrupt FH protein function. In summary, the available evidence is currently insufficient to determine the role of this variant in disease. Therefore, it has been classified as a Variant of Uncertain Significance.

NM_000143.4(FH):c.8G>C (p.Arg3Pro)

Gene: FH (fumarate hydratase; minus strand). Cytogenetic location: 1q43.
Variant type: single nucleotide variant.
Coding change: c.8G>C on transcript NM_000143.4 (MANE Select); coding-DNA position 8, G replaced by C.
Protein change: p.Arg3Pro; replaces arginine 3 with proline.
Molecular consequence: missense variant.
Genome position (GRCh38, 1-based): chr1:241,519,715, C>G on the plus strand (G>C on the coding strand, the complement: FH is on the minus strand). VCF-style: chr1-241519715-C-G. GRCh37 (hg19) VCF-style: chr1-241683015-C-G.
Other names: short protein forms R3P.
Identifiers: ClinVar variation 822885 (VCV000822885.7), dbSNP rs1573890051, ClinGen allele CA345443104.